The following is an entry in ClinVar:

ClinVar aggregate classification (germline): Uncertain significance (1 of 4 stars; one submission).

Conditions:
Hyperekplexia 3 (HKPX3). Also called: HYPEREKPLEXIA 3, AUTOSOMAL RECESSIVE; HYPEREKPLEXIA 3, AUTOSOMAL DOMINANT. Identifiers: Orphanet 3197, MedGen C3553288, MONDO:0013827, OMIM 614618.

Submission:

Labcorp Genetics (formerly Invitae), Labcorp
Classification: Uncertain significance for Hyperekplexia 3. Last evaluated: 2021-12-27. Review status: criteria provided, single submitter. Criteria: Invitae Variant Classification Sherloc (09022015). Collection method: clinical testing. Allele origin: germline.
Comment: This sequence change replaces leucine, which is neutral and non-polar, with valine, which is neutral and non-polar, at codon 400 of the SLC6A5 protein (p.Leu400Val). This variant is not present in population databases (gnomAD no frequency). This variant has not been reported in the literature in individuals affected with SLC6A5-related conditions. Algorithms developed to predict the effect of missense changes on protein structure and function are either unavailable or do not agree on the potential impact of this missense change (SIFT: "Deleterious"; PolyPhen-2: "Probably Damaging"; Align-GVGD: "Class C0"). In summary, the available evidence is currently insufficient to determine the role of this variant in disease. Therefore, it has been classified as a Variant of Uncertain Significance.

NM_004211.5(SLC6A5):c.1198C>G (p.Leu400Val)

Gene: SLC6A5 (solute carrier family 6 member 5; plus strand). Cytogenetic location: 11p15.1.
Variant type: single nucleotide variant.
Coding change: c.1198C>G on transcript NM_004211.5 (MANE Select); coding-DNA position 1198, C replaced by G.
Protein change: p.Leu400Val; replaces leucine 400 with valine.
Molecular consequence: missense variant.
Genome position (GRCh38, 1-based): chr11:20,617,822, C>G. VCF-style: chr11-20617822-C-G. GRCh37 (hg19) VCF-style: chr11-20639368-C-G.
Other names: c.496C>G, p.Leu166Val (NM_001318369.2); short protein forms L166V, L400V.
Identifiers: ClinVar variation 1960854 (VCV001960854.2), dbSNP rs1260473559, ClinGen allele CA379916387.